The following is an entry in ClinVar:

ClinVar aggregate classification (germline): not provided (0 of 4 stars; one submission).

Submission:

Cardiovascular Biomedical Research Unit, Royal Brompton & Harefield NHS Foundation Trust
No classification provided. Review status: no classification provided. Collection method: literature only. Allele origin: germline.
Comment: This variant has been reported in the following publications (PMID:14661677;PMID:19841300).

Literature cited by the submitters: PubMed 14661677; PubMed 19841300; PubMed 22581653.

NM_000238.4(KCNH2):c.751C>G (p.Pro251Ala)

Gene: KCNH2 (potassium voltage-gated channel subfamily H member 2; minus strand). Cytogenetic location: 7q36.1.
Variant type: single nucleotide variant.
Coding change: c.751C>G on transcript NM_000238.4 (MANE Select); coding-DNA position 751, C replaced by G.
Protein change: p.Pro251Ala; replaces proline 251 with alanine.
Molecular consequence: missense variant.
Genome position (GRCh38, 1-based): chr7:150,958,224, G>C on the plus strand (C>G on the coding strand, the complement: KCNH2 is on the minus strand). VCF-style: chr7-150958224-G-C. GRCh37 (hg19) VCF-style: chr7-150655312-G-C.
Other names: c.463C>G, p.Pro155Ala (NM_001406753.1, NM_001406756.1); c.574C>G, p.Pro192Ala (NM_001406755.1); c.451C>G, p.Pro151Ala (NM_001406757.1); c.751C>G, p.Pro251Ala (NM_172056.3); c.751C>G (LRG_288t1); short protein forms P251A, P155A, P192A, P151A.
Identifiers: ClinVar variation 67522 (VCV000067522.3), dbSNP rs199472873, ClinGen allele CA008740.